The following is an entry in ClinVar:

ClinVar aggregate classification (germline): Uncertain significance (1 of 4 stars; one submission).

gnomAD v4.1: 1 of 1,599,160 alleles (0.000063%); highest among the groups gnomAD compares: Non-Finnish European, 0.000085%; no homozygotes.

Submission:

Labcorp Genetics (formerly Invitae), Labcorp
Classification: Uncertain significance. Last evaluated: 2022-03-17. Review status: criteria provided, single submitter. Criteria: Invitae Variant Classification Sherloc (09022015). Collection method: clinical testing. Allele origin: germline.
Comment: This sequence change replaces isoleucine, which is neutral and non-polar, with leucine, which is neutral and non-polar, at codon 276 of the NARS2 protein (p.Ile276Leu). This variant is not present in population databases (gnomAD no frequency). This variant has not been reported in the literature in individuals affected with NARS2-related conditions. Algorithms developed to predict the effect of missense changes on protein structure and function (SIFT, PolyPhen-2, Align-GVGD) all suggest that this variant is likely to be tolerated. In summary, the available evidence is currently insufficient to determine the role of this variant in disease. Therefore, it has been classified as a Variant of Uncertain Significance.

NM_024678.6(NARS2):c.826A>T (p.Ile276Leu)

Gene: NARS2 (asparaginyl-tRNA synthetase 2, mitochondrial; minus strand). Cytogenetic location: 11q14.1.
Variant type: single nucleotide variant.
Coding change: c.826A>T on transcript NM_024678.6 (MANE Select); coding-DNA position 826, A replaced by T.
Protein change: p.Ile276Leu; replaces isoleucine 276 with leucine.
Molecular consequence: missense variant.
Genome position (GRCh38, 1-based): chr11:78,478,680, T>A on the plus strand (A>T on the coding strand, the complement: NARS2 is on the minus strand). VCF-style: chr11-78478680-T-A. GRCh37 (hg19) VCF-style: chr11-78189726-T-A.
Other names: c.145A>T, p.Ile49Leu (NM_001243251.2); short protein forms I276L, I49L.
Identifiers: ClinVar variation 2131048 (VCV002131048.4), dbSNP rs778276341, ClinGen allele CA382177158.